The following is an entry in ClinVar:

NM_004519.4(KCNQ3):c.1885-67C>G

Gene: KCNQ3 (potassium voltage-gated channel subfamily Q member 3; minus strand). Cytogenetic location: 8q24.22.
Variant type: single nucleotide variant.
Coding change: c.1885-67C>G on transcript NM_004519.4 (MANE Select); 67 bases into the intron before coding-DNA position 1885, C replaced by G.
Molecular consequence: intron variant.
Genome position (GRCh38, 1-based): chr8:132,130,063, G>C on the plus strand (C>G on the coding strand, the complement: KCNQ3 is on the minus strand). VCF-style: chr8-132130063-G-C. GRCh37 (hg19) VCF-style: chr8-133142310-G-C.
Other names: c.1525-67C>G (NM_001204824.2).
Identifiers: ClinVar variation 670591 (VCV000670591.4), dbSNP rs2469625, ClinGen allele CA12886504.

ClinVar aggregate classification (germline): Benign. Review status: criteria provided, multiple submitters, no conflicts (2 of 4 stars). 3 submissions from 3 submitters: Benign (3). Last evaluated 2024-07-15.

Allele frequency attached by ClinVar (database versions not stated): 1000 Genomes Project 30x 0.29091; 1000 Genomes Project 0.29093; TOPMed 0.39140; gnomAD 0.40486 and 0.41142.
gnomAD v4.1: 697,554 of 1,493,784 alleles (47%); highest among the groups gnomAD compares: Non-Finnish European, 51%; 170,592 homozygotes.

Submissions (3):

Unidad de Genómica Garrahan, Hospital de Pediatría Garrahan
Classification: Benign. Last evaluated: 2024-07-15. Review status: criteria provided, single submitter. Criteria: ACMG Guidelines, 2015. Collection method: clinical testing. Allele origin: germline. Affected: no. Observed: 48 variant alleles.
Comment: This variant is classified as Benign based on local population frequency. This variant was detected in 52% of patients studied in a panel designed for Epileptic and Developmental Encephalopathy and Progressive Myoclonus Epilepsy. Number of patients: 48. Only high quality variants are reported.

GeneDx
Classification: Benign. Last evaluated: 2018-06-14. Review status: criteria provided, single submitter. Criteria: GeneDx Variant Classification (06012015). Collection method: clinical testing. Allele origin: germline. Affected: yes.
Comment: This variant is considered likely benign or benign based on one or more of the following criteria: it is a conservative change, it occurs at a poorly conserved position in the protein, it is predicted to be benign by multiple in silico algorithms, and/or has population frequency not consistent with disease.

Breakthrough Genomics
Classification: Benign. Review status: criteria provided, single submitter. Criteria: ACMG Guidelines, 2015. Collection method: not provided. Allele origin: germline. Inheritance: Autosomal dominant inheritance. Affected: yes.